The following is an entry in ClinVar:

NM_198576.4(AGRN):c.1321T>C (p.Trp441Arg)

Gene: AGRN (agrin; plus strand). Cytogenetic location: 1p36.33.
Variant type: single nucleotide variant.
Coding change: c.1321T>C on transcript NM_198576.4 (MANE Select); coding-DNA position 1321, T replaced by C.
Protein change: p.Trp441Arg; replaces tryptophan 441 with arginine.
Molecular consequence: missense variant.
Genome position (GRCh38, 1-based): chr1:1,042,099, T>C. VCF-style: chr1-1042099-T-C. GRCh37 (hg19) VCF-style: chr1-977479-T-C.
Other names: c.1321T>C, p.Trp441Arg (NM_001305275.2); c.1006T>C, p.Trp336Arg (NM_001364727.2); short protein forms W336R, W441R.
Identifiers: ClinVar variation 936785 (VCV000936785.8), dbSNP rs746008311, ClinGen allele CA508112.

ClinVar aggregate classification (germline): Uncertain significance (1 of 4 stars; one submission).

Conditions:
Congenital myasthenic syndrome 8. Also called: MYASTHENIC SYNDROME, CONGENITAL, DUE TO AGRIN DEFICIENCY; Myasthenic syndrome, congenital, 8, with pre- and postsynaptic defects. Identifiers: Orphanet 590, MedGen C3808739, MONDO:0014052, OMIM 615120.

Allele frequency attached by ClinVar (database versions not stated): gnomAD exomes below 0.00001 and 0.00001; TOPMed below 0.00001; ExAC 0.00001.
gnomAD v4.1: 11 of 1,603,458 alleles (0.00069%); highest among the groups gnomAD compares: Non-Finnish European, 0.00085%; no homozygotes.

Submission:

Labcorp Genetics (formerly Invitae), Labcorp
Classification: Uncertain significance for Congenital myasthenic syndrome 8. Last evaluated: 2019-06-17. Review status: criteria provided, single submitter. Criteria: Invitae Variant Classification Sherloc (09022015). Collection method: clinical testing. Allele origin: germline.
Comment: In summary, the available evidence is currently insufficient to determine the role of this variant in disease. Therefore, it has been classified as a Variant of Uncertain Significance. Algorithms developed to predict the effect of missense changes on protein structure and function are either unavailable or do not agree on the potential impact of this missense change (SIFT: "Tolerated"; PolyPhen-2: "Possibly Damaging"; Align-GVGD: "Class C0"). This variant has not been reported in the literature in individuals with AGRN-related conditions. This variant is present in population databases (rs746008311, ExAC 0.002%). This sequence change replaces tryptophan with arginine at codon 441 of the AGRN protein (p.Trp441Arg). The tryptophan residue is weakly conserved and there is a moderate physicochemical difference between tryptophan and arginine.